The following is an entry in ClinVar:

ClinVar aggregate classification (germline): Uncertain significance (1 of 4 stars; one submission).

Allele frequency attached by ClinVar (database versions not stated): gnomAD exomes 0.00001; TOPMed 0.00003; gnomAD 0.00004.
gnomAD v4.1: 19 of 1,164,160 alleles (0.0016%); highest among the groups gnomAD compares: Non-Finnish European, 0.0021%; no homozygotes.

Submission:

Labcorp Genetics (formerly Invitae), Labcorp
Classification: Uncertain significance. Last evaluated: 2022-08-30. Review status: criteria provided, single submitter. Criteria: Invitae Variant Classification Sherloc (09022015). Collection method: clinical testing. Allele origin: germline.
Comment: Algorithms developed to predict the effect of missense changes on protein structure and function are either unavailable or do not agree on the potential impact of this missense change (SIFT: "Deleterious"; PolyPhen-2: "Possibly Damaging"; Align-GVGD: "Class C0"). In summary, the available evidence is currently insufficient to determine the role of this variant in disease. Therefore, it has been classified as a Variant of Uncertain Significance. This variant has not been reported in the literature in individuals affected with DRP2-related conditions. This sequence change replaces glutamine, which is neutral and polar, with arginine, which is basic and polar, at codon 273 of the DRP2 protein (p.Gln273Arg). This variant is not present in population databases (gnomAD no frequency).

NM_001939.3(DRP2):c.818A>G (p.Gln273Arg)

Gene: DRP2 (dystrophin related protein 2; plus strand). Cytogenetic location: Xq22.1.
Variant type: single nucleotide variant.
Coding change: c.818A>G on transcript NM_001939.3 (MANE Select); coding-DNA position 818, A replaced by G.
Protein change: p.Gln273Arg; replaces glutamine 273 with arginine.
Molecular consequence: missense variant.
Genome position (GRCh38, 1-based): chrX:101,241,926, A>G. VCF-style: chrX-101241926-A-G. GRCh37 (hg19) VCF-style: chrX-100496915-A-G.
Other names: c.584A>G, p.Gln195Arg (NM_001171184.2); short protein forms Q195R, Q273R.
Identifiers: ClinVar variation 2421382 (VCV002421382.6), dbSNP rs1390346994, ClinGen allele CA413918009.